The following is an entry in ClinVar:

NM_024675.4(PALB2):c.3337G>C (p.Gly1113Arg)

Gene: PALB2 (partner and localizer of BRCA2; minus strand). Cytogenetic location: 16p12.2.
Variant type: single nucleotide variant.
Coding change: c.3337G>C on transcript NM_024675.4 (MANE Select); coding-DNA position 3337, G replaced by C.
Protein change: p.Gly1113Arg; replaces glycine 1113 with arginine.
Molecular consequence: missense variant. On other transcripts: intron variant (8).
Genome position (GRCh38, 1-based): chr16:23,607,877, C>G on the plus strand (G>C on the coding strand, the complement: PALB2 is on the minus strand). VCF-style: chr16-23607877-C-G. GRCh37 (hg19) VCF-style: chr16-23619198-C-G.
Other names: c.3277G>C, p.Gly1093Arg (NM_001407296.1); c.3265G>C, p.Gly1089Arg (NM_001407297.1); c.3175G>C, p.Gly1059Arg (NM_001407298.1); c.3058G>C, p.Gly1020Arg (NM_001407300.1); c.2452G>C, p.Gly818Arg (NM_001407304.1, NM_001407305.1, NM_001407306.1); c.2290G>C, p.Gly764Arg (NM_001407307.1); c.1549G>C, p.Gly517Arg (NM_001407312.1); c.871G>C, p.Gly291Arg (NM_001407314.1); and 6 more; short protein forms G1020R, G1059R, G1089R, G1093R, G1113R, G291R, G517R, G764R.
Identifiers: ClinVar variation 3893760 (VCV003893760.1).

ClinVar aggregate classification (germline): Uncertain significance (1 of 4 stars; one submission).

Conditions:
Hereditary cancer-predisposing syndrome. Also called: Neoplastic Syndromes, Hereditary; Tumor predisposition; Hereditary Cancer Syndrome; Hereditary neoplastic syndrome. Identifiers: Orphanet 140162, MedGen C0027672, MeSH D009386, MONDO:0015356.

Submission:

Color Diagnostics, LLC DBA Color Health
Classification: Uncertain significance for Hereditary cancer-predisposing syndrome. Last evaluated: 2024-04-29. Review status: criteria provided, single submitter. Criteria: ACMG Guidelines, 2015. Collection method: clinical testing. Allele origin: germline.
Comment: This missense variant replaces glycine with arginine at codon 1113 of the PALB2 protein. Computational prediction suggests that this variant may not impact protein structure and function. To our knowledge, functional studies have not been reported for this variant. This variant has not been reported in individuals affected with PALB2-related disorders in the literature. This variant has not been identified in the general population by the Genome Aggregation Database (gnomAD). The available evidence is insufficient to determine the role of this variant in disease conclusively. Therefore, this variant is classified as a Variant of Uncertain Significance.